The following is an entry in ClinVar:

ClinVar aggregate classification (germline): Uncertain significance. Review status: criteria provided, multiple submitters, no conflicts (2 of 4 stars). 3 submissions from 3 submitters: Uncertain significance (2). 1 of the submissions does not count toward it. Last evaluated 2022-07-20.

Conditions:
Inborn genetic diseases. Identifiers: MedGen C0950123, MeSH D030342.
Spinocerebellar ataxia type 13 (SCA13). Also called: Spinocerebellar Ataxia Type13. Identifiers: Orphanet 98768, MedGen C1854488, MONDO:0011529, OMIM 605259.
KCNC3-related disorder. Also called: KCNC3-related condition.

Allele frequency attached by ClinVar (database versions not stated): gnomAD exomes below 0.00001; TOPMed 0.00001.
gnomAD v4.1: 6 of 1,535,624 alleles (0.00039%); highest among the groups gnomAD compares: Non-Finnish European, 0.00052%; no homozygotes.

Submissions (3):

Ambry Genetics
Classification: Uncertain significance for Inborn genetic diseases. Last evaluated: 2022-07-20. Review status: criteria provided, single submitter. Criteria: Ambry Variant Classification Scheme 2023. Collection method: clinical testing. Allele origin: germline.

Baylor Genetics
Classification: Uncertain significance for Spinocerebellar ataxia type 13. Last evaluated: 2022-02-16. Review status: criteria provided, single submitter. Criteria: ACMG Guidelines, 2015. Collection method: clinical testing. Allele origin: unknown.

PreventionGenetics, part of Exact Sciences
Classification: Uncertain significance for KCNC3-related condition. Last evaluated: 2023-12-19. Review status: no assertion criteria provided. Collection method: clinical testing. Allele origin: germline. Not counted in ClinVar's aggregate classification.
Comment: The KCNC3 c.1822A>G variant is predicted to result in the amino acid substitution p.Thr608Ala. To our knowledge, this variant has not been reported in the literature or in a large population database, indicating this variant is rare. At this time, the clinical significance of this variant is uncertain due to the absence of conclusive functional and genetic evidence.

NM_004977.3(KCNC3):c.1822A>G (p.Thr608Ala)

Gene: KCNC3 (potassium voltage-gated channel subfamily C member 3; minus strand). Cytogenetic location: 19q13.33.
Variant type: single nucleotide variant.
Coding change: c.1822A>G on transcript NM_004977.3 (MANE Select); coding-DNA position 1822, A replaced by G.
Protein change: p.Thr608Ala; replaces threonine 608 with alanine.
Molecular consequence: missense variant.
Genome position (GRCh38, 1-based): chr19:50,323,131, T>C on the plus strand (A>G on the coding strand, the complement: KCNC3 is on the minus strand). VCF-style: chr19-50323131-T-C. GRCh37 (hg19) VCF-style: chr19-50826388-T-C.
Other names: c.1594A>G, p.Thr532Ala (NM_001372305.1); short protein forms T532A, T608A.
Identifiers: ClinVar variation 2302628 (VCV002302628.5), dbSNP rs2037055831, ClinGen allele CA406949844.
Genomic context (GRCh38, chr19:50,323,131, plus strand): 5'-CTCCCCCCCTGAGCAGCCCGGGGTGCGTGTGGGGCCCCGCTGGGTAGGCCCCGGCCACAG[T>C]CACCCCCATGGAGGGTGGGGTGATGGGTGGCGGCGGGCTGATGCCCCCGCTGCCGTGGTG-3'
Protein context (NP_004968.2, residues 598-618): PPITPPSMGV[Thr608Ala]VAGAYPAGPH